The following is an entry in ClinVar:

NM_000179.3(MSH6):c.3054C>T (p.Leu1018=)

Gene: MSH6 (mutS homolog 6; plus strand). Cytogenetic location: 2p16.3.
Variant type: single nucleotide variant.
Coding change: c.3054C>T on transcript NM_000179.3 (MANE Select); coding-DNA position 3054, C replaced by T.
Protein change: p.Leu1018=; no amino-acid change (leucine 1018 retained).
Molecular consequence: synonymous variant.
Genome position (GRCh38, 1-based): chr2:47,801,037, C>T. VCF-style: chr2-47801037-C-T. GRCh37 (hg19) VCF-style: chr2-48028176-C-T.
Other names: c.2664C>T, p.Leu888= (NM_001281492.2); c.2148C>T, p.Leu716= (NM_001281493.2, NM_001281494.2); c.3054C>T (NM_000179.2).
Identifiers: ClinVar variation 1155000 (VCV001155000.11), dbSNP rs772191770, ClinGen allele CA426121769.

ClinVar aggregate classification (germline): Benign/Likely benign. Review status: criteria provided, multiple submitters, no conflicts (2 of 4 stars). 3 submissions from 3 submitters: Benign (1); Likely benign (2). Last evaluated 2025-11-03.

Conditions:
Hereditary nonpolyposis colorectal neoplasms. Identifiers: MedGen C0009405, MeSH D003123.
Hereditary cancer-predisposing syndrome. Also called: Hereditary neoplastic syndrome; Hereditary Cancer Syndrome; Tumor predisposition; Neoplastic Syndromes, Hereditary. Identifiers: Orphanet 140162, MedGen C0027672, MeSH D009386, MONDO:0015356.
Lynch syndrome 5 (LYNCH5). Also called: Hereditary non-polyposis colorectal cancer, type 5; Colorectal cancer, hereditary nonpolyposis, type 5. Identifiers: Orphanet 144, MedGen C1833477, MONDO:0013710, OMIM 614350. Disease mechanism: loss of function.

gnomAD v4.1: 1 of 1,591,128 alleles (0.000063%); no homozygotes.

Submissions (3):

Labcorp Genetics (formerly Invitae), Labcorp
Classification: Likely benign for Hereditary nonpolyposis colorectal neoplasms. Last evaluated: 2025-11-03. Review status: criteria provided, single submitter. Criteria: Invitae Variant Classification Sherloc (09022015). Collection method: clinical testing. Allele origin: germline.

Myriad Genetics, Inc.
Classification: Benign for Lynch syndrome 5. Last evaluated: 2025-01-02. Review status: criteria provided, single submitter. Criteria: Myriad Autosomal Dominant, Autosomal Recessive and X-Linked Classification Criteria (2023). Collection method: clinical testing. Allele origin: unknown.
Comment: This variant is considered benign. This variant is a silent/synonymous amino acid change and it is not expected to impact splicing.

Ambry Genetics
Classification: Likely benign for Hereditary cancer-predisposing syndrome. Last evaluated: 2024-11-22. Review status: criteria provided, single submitter. Criteria: Ambry Variant Classification Scheme 2023. Collection method: clinical testing. Allele origin: germline.